The following is an entry in ClinVar:

NM_001854.4(COL11A1):c.2557-14T>C

Gene: COL11A1 (collagen type XI alpha 1 chain; minus strand). Cytogenetic location: 1p21.1.
Variant type: single nucleotide variant.
Coding change: c.2557-14T>C on transcript NM_001854.4 (MANE Select); 14 bases into the intron before coding-DNA position 2557, T replaced by C.
Molecular consequence: intron variant.
Genome position (GRCh38, 1-based): chr1:102,979,449, A>G on the plus strand (T>C on the coding strand, the complement: COL11A1 is on the minus strand). VCF-style: chr1-102979449-A-G. GRCh37 (hg19) VCF-style: chr1-103445005-A-G.
Other names: c.2440-14T>C (NM_001190709.2); c.2593-14T>C (NM_080629.3); c.2209-14T>C (NM_080630.4).
Identifiers: ClinVar variation 512570 (VCV000512570.4), dbSNP rs546175264, ClinGen allele CA27703386.

ClinVar aggregate classification (germline): Likely benign. Review status: criteria provided, multiple submitters, no conflicts (2 of 4 stars). 2 submissions from 2 submitters: Likely benign (2). Last evaluated 2025-04-14.

Allele frequency attached by ClinVar (database versions not stated): gnomAD exomes below 0.00001 and 0.00001; gnomAD 0.00001; 1000 Genomes Project 0.00020; 1000 Genomes Project 30x 0.00031.
gnomAD v4.1: 3 of 1,576,880 alleles (0.00019%); highest among the groups gnomAD compares: Admixed American, 0.0033%; no homozygotes.

Submissions (2):

Labcorp Genetics (formerly Invitae), Labcorp
Classification: Likely benign. Last evaluated: 2025-04-14. Review status: criteria provided, single submitter. Criteria: Invitae Variant Classification Sherloc (09022015). Collection method: clinical testing. Allele origin: germline.

GeneDx
Classification: Likely benign. Last evaluated: 2017-10-05. Review status: criteria provided, single submitter. Criteria: GeneDx Variant Classification (06012015). Collection method: clinical testing. Allele origin: germline. Affected: yes.
Comment: This variant is considered likely benign or benign based on one or more of the following criteria: it is a conservative change, it occurs at a poorly conserved position in the protein, it is predicted to be benign by multiple in silico algorithms, and/or has population frequency not consistent with disease.